The following is an entry in ClinVar:

NM_138370.3(PKDCC):c.640-3C>T

Gene: PKDCC (protein kinase domain containing, cytoplasmic; plus strand). Cytogenetic location: 2p21.
Variant type: single nucleotide variant.
Coding change: c.640-3C>T on transcript NM_138370.3 (MANE Select); 3 bases into the intron before coding-DNA position 640, C replaced by T.
Molecular consequence: intron variant.
Genome position (GRCh38, 1-based): chr2:42,053,236, C>T. VCF-style: chr2-42053236-C-T. GRCh37 (hg19) VCF-style: chr2-42280376-C-T.
Identifiers: ClinVar variation 1450350 (VCV001450350.3), dbSNP rs377080718, ClinGen allele CA1627963.
Genomic context (GRCh38, chr2:42,053,236, plus strand): 5'-CCAGCCCTTCCCTGTCCCCACCCCCACCCTGTGACCTAATGACCTGCCCTCGGCTTTCCC[C>T]AGCTCTATGGCTACTGCTACCAGGACAGCGAGGACATCCCAGACACCCTGACCACCATCA-3'

ClinVar aggregate classification (germline): Uncertain significance (1 of 4 stars; one submission).

Allele frequency attached by ClinVar (database versions not stated): ExAC 0.00001; gnomAD exomes 0.00002 and 0.00003; ESP Exome Variant Server 0.00008; gnomAD 0.00021.
gnomAD v4.1: 55 of 1,607,170 alleles (0.0034%); highest among the groups gnomAD compares: African/African-American, 0.067%; no homozygotes.

Submission:

Labcorp Genetics (formerly Invitae), Labcorp
Classification: Uncertain significance. Last evaluated: 2022-07-15. Review status: criteria provided, single submitter. Criteria: Invitae Variant Classification Sherloc (09022015). Collection method: clinical testing. Allele origin: germline.
Comment: This sequence change falls in intron 1 of the PKDCC gene. It does not directly change the encoded amino acid sequence of the PKDCC protein. It affects a nucleotide within the consensus splice site. This variant is present in population databases (rs377080718, gnomAD 0.07%). This variant has not been reported in the literature in individuals affected with PKDCC-related conditions. ClinVar contains an entry for this variant (Variation ID: 1450350). Variants that disrupt the consensus splice site are a relatively common cause of aberrant splicing (PMID: 17576681, 9536098). Algorithms developed to predict the effect of sequence changes on RNA splicing suggest that this variant is not likely to affect RNA splicing. In summary, the available evidence is currently insufficient to determine the role of this variant in disease. Therefore, it has been classified as a Variant of Uncertain Significance.

Literature cited by the submitters: PubMed 17576681; PubMed 9536098.